The following is an entry in ClinVar:

ClinVar aggregate classification (germline): Uncertain significance (1 of 4 stars; one submission).

gnomAD v4.1: 2 of 1,573,930 alleles (0.00013%); highest among the groups gnomAD compares: Non-Finnish European, 0.00017%; no homozygotes.

Submission:

Labcorp Genetics (formerly Invitae), Labcorp
Classification: Uncertain significance. Last evaluated: 2023-10-03. Review status: criteria provided, single submitter. Criteria: Invitae Variant Classification Sherloc (09022015). Collection method: clinical testing. Allele origin: germline.
Comment: This sequence change replaces serine, which is neutral and polar, with tryptophan, which is neutral and slightly polar, at codon 4363 of the HSPG2 protein (p.Ser4363Trp). This variant is not present in population databases (gnomAD no frequency). This variant has not been reported in the literature in individuals affected with HSPG2-related conditions. ClinVar contains an entry for this variant (Variation ID: 1928369). An algorithm developed to predict the effect of missense changes on protein structure and function (PolyPhen-2) suggests that this variant is likely to be disruptive. In summary, the available evidence is currently insufficient to determine the role of this variant in disease. Therefore, it has been classified as a Variant of Uncertain Significance.

NM_005529.7(HSPG2):c.13088C>G (p.Ser4363Trp)

Genes: HSPG2 (heparan sulfate proteoglycan 2; minus strand), LDLRAD2 (low density lipoprotein receptor class A domain containing 2; plus strand). Cytogenetic location: 1p36.12.
Variant type: single nucleotide variant.
Coding change: c.13088C>G on transcript NM_005529.7 (MANE Select); coding-DNA position 13088, C replaced by G.
Protein change: p.Ser4363Trp; replaces serine 4363 with tryptophan.
Molecular consequence: missense variant. On other transcripts: 3 prime UTR variant (1).
Genome position (GRCh38, 1-based): chr1:21,823,404, G>C on the plus strand (C>G on the coding strand, the complement: HSPG2 is on the minus strand). VCF-style: chr1-21823404-G-C. GRCh37 (hg19) VCF-style: chr1-22149897-G-C.
Other names: c.13091C>G, p.Ser4364Trp (NM_001291860.2); c.*1189G>C (NM_001013693.3); short protein forms S4364W, S4363W.
Identifiers: ClinVar variation 1928369 (VCV001928369.5), dbSNP rs62642502, ClinGen allele CA338908339.
Genomic context (GRCh38, chr1:21,823,404, plus strand): 5'-CCGGCCTGGGCGCGGTGCTGCAGGTCCAGGGGCTGTGGGGGCGGGGCGCCGGGTCGGGCC[G>C]AGTGCAGCACCAGGTTCTTGACACAGCCTGTGATGCCTGAGGAGAATCTGCCCCCGGTCA-3'
Protein context (NP_005520.4, residues 4353-4373): TGCVKNLVLH[Ser4363Trp]ARPGAPPPQP